The following is an entry in ClinVar:

NM_000228.3(LAMB3):c.1293_1294del (p.Cys431_Asp432delinsTer)

Gene: LAMB3 (laminin subunit beta 3; minus strand). Cytogenetic location: 1q32.2.
Variant type: Microsatellite.
Coding change: c.1293_1294del on transcript NM_000228.3 (MANE Select); coding-DNA positions 1293 to 1294, 2 bases deleted (TG; older notation c.1293_1294delTG).
Protein change: p.Cys431_Asp432delinsTer.
Molecular consequence: nonsense.
Genome position (GRCh38, 1-based): chr1:209,627,574-209,627,575, CA deleted on the plus strand (TG on the coding strand, the reverse complement: LAMB3 is on the minus strand); deleting any 2 consecutive bases within chr1:209,627,574-209,627,577 gives the same sequence; the c. name uses the placement nearest the transcript's 3' end. VCF-style (leftmost placement, unchanged base first): chr1-209627573-TCA-T. GRCh37 (hg19) VCF-style: chr1-209800918-TCA-T.
Other names: c.1293_1294del, p.Cys431_Asp432delinsTer (NM_001017402.2, NM_001127641.1).
Identifiers: ClinVar variation 2027585 (VCV002027585.4), dbSNP rs2464833004, ClinGen allele CA2580611254.

ClinVar aggregate classification (germline): Pathogenic (1 of 4 stars; one submission).

Submission:

Labcorp Genetics (formerly Invitae), Labcorp
Classification: Pathogenic. Last evaluated: 2022-08-28. Review status: criteria provided, single submitter. Criteria: Invitae Variant Classification Sherloc (09022015). Collection method: clinical testing. Allele origin: germline.
Comment: This sequence change creates a premature translational stop signal (p.Cys431*) in the LAMB3 gene. It is expected to result in an absent or disrupted protein product. Loss-of-function variants in LAMB3 are known to be pathogenic (PMID: 11023379, 16473856). This variant is not present in population databases (gnomAD no frequency). This variant has not been reported in the literature in individuals affected with LAMB3-related conditions. For these reasons, this variant has been classified as Pathogenic.

Literature cited by the submitters: PubMed 11023379; PubMed 16473856.